The following is an entry in ClinVar:

ClinVar aggregate classification (germline): Likely pathogenic (0 of 4 stars; one submission).

Conditions:
Retinitis pigmentosa (RP). Identifiers: Orphanet 791, MedGen C0035334, MeSH D012174, MONDO:0019200, OMIM 268000. Inheritance: Autosomal dominant, autosomal recessive and X linked inheritance.

Submission:

Department of Ophthalmology and Visual Sciences Kyoto University
Classification: Likely pathogenic for Retinitis pigmentosa. Review status: no assertion criteria provided. Collection method: not provided. Allele origin: unknown.
ClinVar note: Converted during submission from probable-pathogenic to Likely pathogenic.

NM_206933.4(USH2A):c.14450G>A (p.Gly4817Glu)

Gene: USH2A (usherin; minus strand). Cytogenetic location: 1q41.
Variant type: single nucleotide variant.
Coding change: c.14450G>A on transcript NM_206933.4 (MANE Select); coding-DNA position 14450, G replaced by A.
Protein change: p.Gly4817Glu; replaces glycine 4817 with glutamic acid.
Molecular consequence: missense variant.
Genome position (GRCh38, 1-based): chr1:215,648,660, C>T on the plus strand (G>A on the coding strand, the complement: USH2A is on the minus strand). VCF-style: chr1-215648660-C-T. GRCh37 (hg19) VCF-style: chr1-215822002-C-T.
Other names: short protein forms G4817E.
Identifiers: ClinVar variation 143176 (VCV000143176.2), dbSNP rs527236125, ClinGen allele CA270147.